The following is an entry in ClinVar:

ClinVar aggregate classification (germline): Uncertain significance (1 of 4 stars; one submission).

Submission:

Labcorp Genetics (formerly Invitae), Labcorp
Classification: Uncertain significance. Last evaluated: 2022-08-28. Review status: criteria provided, single submitter. Criteria: Invitae Variant Classification Sherloc (09022015). Collection method: clinical testing. Allele origin: germline.
Comment: This sequence change replaces asparagine, which is neutral and polar, with lysine, which is basic and polar, at codon 727 of the KIF11 protein (p.Asn727Lys). This variant is not present in population databases (gnomAD no frequency). This variant has not been reported in the literature in individuals affected with KIF11-related conditions. Algorithms developed to predict the effect of missense changes on protein structure and function are either unavailable or do not agree on the potential impact of this missense change (SIFT: "Deleterious"; PolyPhen-2: "Benign"; Align-GVGD: "Class C15"). In summary, the available evidence is currently insufficient to determine the role of this variant in disease. Therefore, it has been classified as a Variant of Uncertain Significance.

NM_004523.4(KIF11):c.2181T>A (p.Asn727Lys)

Gene: KIF11 (kinesin family member 11; plus strand). Cytogenetic location: 10q23.33.
Variant type: single nucleotide variant.
Coding change: c.2181T>A on transcript NM_004523.4 (MANE Select); coding-DNA position 2181, T replaced by A.
Protein change: p.Asn727Lys; replaces asparagine 727 with lysine.
Molecular consequence: missense variant.
Genome position (GRCh38, 1-based): chr10:92,639,814, T>A. VCF-style: chr10-92639814-T-A. GRCh37 (hg19) VCF-style: chr10-94399571-T-A.
Other names: short protein forms N727K.
Identifiers: ClinVar variation 1718267 (VCV001718267.5), dbSNP rs369880705, ClinGen allele CA377593611.